The following is an entry in ClinVar:

NM_002103.5(GYS1):c.1324C>A (p.Pro442Thr)

Gene: GYS1 (glycogen synthase 1; minus strand). Cytogenetic location: 19q13.33.
Variant type: single nucleotide variant.
Coding change: c.1324C>A on transcript NM_002103.5 (MANE Select); coding-DNA position 1324, C replaced by A.
Protein change: p.Pro442Thr; replaces proline 442 with threonine.
Molecular consequence: missense variant. On other transcripts: non-coding transcript variant (1).
Genome position (GRCh38, 1-based): chr19:48,974,718, G>T on the plus strand (C>A on the coding strand, the complement: GYS1 is on the minus strand). VCF-style: chr19-48974718-G-T. GRCh37 (hg19) VCF-style: chr19-49477975-G-T.
Other names: c.1132C>A, p.Pro378Thr (NM_001161587.2); short protein forms P442T, P378T.
Identifiers: ClinVar variation 936512 (VCV000936512.6), dbSNP rs142951866, ClinGen allele CA9562980.

ClinVar aggregate classification (germline): Uncertain significance (1 of 4 stars; one submission).

Conditions:
Glycogen storage disease due to muscle and heart glycogen synthase deficiency. Also called: GSD 0b; MUSCLE GLYCOGEN SYNTHASE DEFICIENCY. Identifiers: Orphanet 137625, MedGen C1969054, MONDO:0012693, OMIM 611556.

Allele frequency attached by ClinVar (database versions not stated): TOPMed 0.00006.

Submission:

Labcorp Genetics (formerly Invitae), Labcorp
Classification: Uncertain significance for Glycogen storage disease due to muscle and heart glycogen synthase deficiency. Last evaluated: 2025-12-09. Review status: criteria provided, single submitter. Criteria: Invitae Variant Classification Sherloc (09022015). Collection method: clinical testing. Allele origin: germline.
Comment: This sequence change replaces proline, which is neutral and non-polar, with threonine, which is neutral and polar, at codon 442 of the GYS1 protein (p.Pro442Thr). This variant is present in population databases (rs142951866, gnomAD 0.03%). This variant has not been reported in the literature in individuals affected with GYS1-related conditions. ClinVar contains an entry for this variant (Variation ID: 936512). Invitae Evidence Modeling of protein sequence and biophysical properties (such as structural, functional, and spatial information, amino acid conservation, physicochemical variation, residue mobility, and thermodynamic stability) has been performed for this missense variant. However, the output from this modeling did not meet the statistical confidence thresholds required to predict the impact of this variant on GYS1 protein function. In summary, the available evidence is currently insufficient to determine the role of this variant in disease. Therefore, it has been classified as a Variant of Uncertain Significance.